The following is an entry in ClinVar:

ClinVar aggregate classification (germline): Uncertain significance (1 of 4 stars; one submission).

Conditions:
Inborn genetic diseases. Identifiers: MedGen C0950123, MeSH D030342.

Submission:

Ambry Genetics
Classification: Uncertain significance for Inborn genetic diseases. Last evaluated: 2025-09-20. Review status: criteria provided, single submitter. Criteria: Ambry Variant Classification Scheme 2023. Collection method: clinical testing. Allele origin: germline.
Comment: The p.A66T variant (also known as c.196G>A), located in coding exon 2 of the SBDS gene, results from a G to A substitution at nucleotide position 196. The alanine at codon 66 is replaced by threonine, an amino acid with similar properties. This amino acid position is conserved. In addition, this alteration is predicted to be deleterious by in silico analysis. Based on the available evidence, the clinical significance of this variant remains unclear.

NM_016038.4(SBDS):c.196G>A (p.Ala66Thr)

Gene: SBDS (SBDS ribosome maturation factor; minus strand). Cytogenetic location: 7q11.21.
Variant type: single nucleotide variant.
Coding change: c.196G>A on transcript NM_016038.4 (MANE Select); coding-DNA position 196, G replaced by A.
Protein change: p.Ala66Thr; replaces alanine 66 with threonine.
Molecular consequence: missense variant.
Genome position (GRCh38, 1-based): chr7:66,994,274, C>T on the plus strand (G>A on the coding strand, the complement: SBDS is on the minus strand). VCF-style: chr7-66994274-C-T. GRCh37 (hg19) VCF-style: chr7-66459261-C-T.
Other names: short protein forms A66T.
Identifiers: ClinVar variation 4630217 (VCV004630217.1).
Genomic context (GRCh38, chr7:66,994,274, plus strand): 5'-GCTTACAGATTTCAGTTTGGTCATCTGTTCCAAACGCACTGATGAGATCTTCCTTTTTGG[C>T]AACCTGACCTTTAGAAACATTTACAAACACTGAGTGGGTCTGCAGAACTTCATCGAGGTC-3'
Protein context (NP_057122.2, residues 56-76): VFVNVSKGQV[Ala66Thr]KKEDLISAFG